The following is an entry in ClinVar:

ClinVar aggregate classification (germline): Likely pathogenic (1 of 4 stars; one submission).

Conditions:
Kabuki syndrome 1 (KABUK1). Also called: KMT2D-Related Kabuki Syndrome. Identifiers: Orphanet 2322, MedGen CN030661, MONDO:0007843, OMIM 147920.

Submission:

MVZ Medizinische Genetik Mainz
Classification: Likely pathogenic for Kabuki syndrome 1. Last evaluated: 2026-06-02. Review status: criteria provided, single submitter. Criteria: UK Practice Guidelines For Variant Classification V4 01 2020. Collection method: clinical testing. Allele origin: germline. Inheritance: Autosomal dominant inheritance. Affected: yes. Observed: 1 variant allele.
Comment: ACMG Criteria: PVS1,PM2_SUP

NM_003482.4(KMT2D):c.6511del (p.Val2171fs)

Gene: KMT2D (lysine methyltransferase 2D; minus strand). Cytogenetic location: 12q13.12.
Variant type: Deletion.
Coding change: c.6511del on transcript NM_003482.4 (MANE Select); coding-DNA position 6511, one base deleted (G; older notation c.6511delG).
Protein change: p.Val2171fs; shifts the reading frame from valine 2171.
Molecular consequence: frameshift variant.
Genome position (GRCh38, 1-based): chr12:49,041,259, C deleted on the plus strand (G on the coding strand, the reverse complement: KMT2D is on the minus strand). VCF-style (leftmost placement, unchanged base first): chr12-49041258-AC-A. GRCh37 (hg19) VCF-style: chr12-49435041-AC-A.
Other names: short protein forms V2171fs.
Identifiers: ClinVar variation 4857249 (VCV004857249.1).